The following is an entry in ClinVar:

ClinVar aggregate classification (germline): Likely benign. Review status: criteria provided, multiple submitters, no conflicts (2 of 4 stars). 3 submissions from 3 submitters: Likely benign (3). Last evaluated 2026-06-11.

Conditions:
Early-infantile DEE. Also called: Early infantile epileptic encephalopathy with suppression bursts; Early infantile epileptic encephalopathy; Ohtahara syndrome. Identifiers: Orphanet 1934, MedGen C0393706, MONDO:0800491.
SPTAN1-related disorder. Also called: SPTAN1-related disorders; SPTAN1-related condition.

Allele frequency attached by ClinVar (database versions not stated): TOPMed 0.00002; gnomAD exomes 0.00004 and 0.00002; ExAC 0.00002; gnomAD 0.00002.
gnomAD v4.1: 26 of 1,613,340 alleles (0.0016%); highest among the groups gnomAD compares: Admixed American, 0.013%; no homozygotes.

Submissions (3):

PreventionGenetics, part of Exact Sciences
Classification: Likely benign for SPTAN1-related condition. Last evaluated: 2026-06-11. Review status: criteria provided, single submitter. Criteria: ACMG Guidelines, 2015. Collection method: clinical testing. Allele origin: germline.
Comment: This variant is classified as likely benign based on ACMG/AMP sequence variant interpretation guidelines (Richards et al. 2015 PMID: 25741868, with internal and published modifications).

Labcorp Genetics (formerly Invitae), Labcorp
Classification: Likely benign for Early-infantile DEE. Last evaluated: 2024-07-01. Review status: criteria provided, single submitter. Criteria: Invitae Variant Classification Sherloc (09022015). Collection method: clinical testing. Allele origin: germline.

GeneDx
Classification: Likely benign. Last evaluated: 2017-03-22. Review status: criteria provided, single submitter. Criteria: GeneDx Variant Classification (06012015). Collection method: clinical testing. Allele origin: germline. Affected: yes.
Comment: This variant is considered likely benign or benign based on one or more of the following criteria: it is a conservative change, it occurs at a poorly conserved position in the protein, it is predicted to be benign by multiple in silico algorithms, and/or has population frequency not consistent with disease.

NM_001130438.3(SPTAN1):c.1350G>A (p.Ala450=)

Gene: SPTAN1 (spectrin alpha, non-erythrocytic 1; plus strand). Cytogenetic location: 9q34.11.
Variant type: single nucleotide variant.
Coding change: c.1350G>A on transcript NM_001130438.3 (MANE Select); coding-DNA position 1350, G replaced by A.
Protein change: p.Ala450=; no amino-acid change (alanine 450 retained).
Molecular consequence: synonymous variant.
Genome position (GRCh38, 1-based): chr9:128,580,948, G>A. VCF-style: chr9-128580948-G-A. GRCh37 (hg19) VCF-style: chr9-131343227-G-A.
Other names: c.1350G>A, p.Ala450= (NM_001195532.2, NM_001363759.2, NM_001363765.2 and 1 more transcripts).
Identifiers: ClinVar variation 508350 (VCV000508350.6), dbSNP rs374478564, ClinGen allele CA5264375.
Genomic context (GRCh38, chr9:128,580,948, plus strand): 5'-TCATCTCCCTGACCATGTCTCCTATGCCCCCAAGCTGACCGTCCTTTCCGAGGAGAGAGC[G>A]GCGCTGCTGGAGCTGTGGGAGCTGCGCAGGCAGCAGTACGAGCAGTGCATGGACCTGCAG-3'
Protein context (NP_001123910.1, residues 440-460): EKLTVLSEER[Ala450=]ALLELWELRR